The following is an entry in ClinVar:

ClinVar aggregate classification (germline): Pathogenic (1 of 4 stars; one submission).

Conditions:
Sandhoff disease. Also called: Beta-hexosaminidase-beta-subunit deficiency; GM2 gangliosidosis, type 2; Total hexosaminidase deficiency; Sandhoff-Jatzkewitz-Pilz disease; GM2-GANGLIOSIDOSIS, TYPE II; HEXOSAMINIDASES A AND B DEFICIENCY. Identifiers: Orphanet 796, MedGen C0036161, MONDO:0010006, OMIM 268800.

Submission:

Women's Health and Genetics/Laboratory Corporation of America, LabCorp
Classification: Pathogenic for Sandhoff disease. Last evaluated: 2022-07-19. Review status: criteria provided, single submitter. Criteria: LabCorp Variant Classification Summary - May 2015. Collection method: clinical testing. Allele origin: germline.
Comment: Variant summary: The variant identified by MLPA or other technology involves the deletion of exons 1-5 in the HEXB gene, which includes the initiation codon. A presumed nomenclature of c.(?_-118)_(669+1_670-1)del has been designated for the purposes of this classification. The variant allele was found at a frequency of 9.2e-05 in 21694 control chromosomes (gnomAD, Structural Variants dataset). Deletion of exons 1-5 has been reported in the literature in multiple individuals affected with Sandhoff Disease (e.g. Sobek_2013, Grunseich_2015, Zanetti_2020). These data indicate that the variant is very likely to be associated with disease. Two ClinVar submitters (evaluation after 2014) cite the variant as pathogenic/likely pathogenic. Based on the evidence outlined above, the variant was classified as pathogenic.

Literature cited by the submitters: PubMed 23010210; PubMed 25736553; PubMed 32036093.

NC_000005.9:g.(?_73980968)_(73992932_74001043)del

Gene: HEXB (hexosaminidase subunit beta; plus strand). Cytogenetic location: 5q13.3.
Variant type: Deletion.
Identifiers: ClinVar variation 1704505 (VCV001704505.1).